The following is an entry in ClinVar:

ClinVar aggregate classification (germline): Uncertain significance. Review status: criteria provided, single submitter (1 of 4 stars). 2 submissions from 2 submitters: Uncertain significance (1). 1 of the submissions does not count toward it. Last evaluated 2024-05-16.

Conditions:
ITGB4-related disorder. Also called: ITGB4-related condition.
Epidermolysis bullosa, junctional 5A, intermediate. Also called: EPIDERMOLYSIS BULLOSA, JUNCTIONAL 5A, GENERALIZED INTERMEDIATE; EPIDERMOLYSIS BULLOSA, JUNCTIONAL 5A, NON-HERLITZ TYPE. Identifiers: MedGen C5676956, MONDO:0030768, OMIM 619816.
Junctional epidermolysis bullosa with pyloric atresia. Also called: Epidermolysis bullosa, junctional, with pyloric atresia and aplasia cutis congenita; Epidermolysis bullosa junctionalis with pyloric atresia; CARMI SYNDROME; EB-PA-ACC; EPIDERMOLYSIS BULLOSA, JUNCTIONAL 5B, WITH PYLORIC ATRESIA; ITGB4-Related Epidermolysis Bullosa with Pyloric Atresia. Identifiers: Orphanet 79403, MedGen C5676875, MONDO:0009183, OMIM 226730.

gnomAD v4.1: 24 of 1,607,066 alleles (0.0015%); highest among the groups gnomAD compares: South Asian, 0.0044%; no homozygotes.

Submissions (2):

Fulgent Genetics
Classification: Uncertain significance for Junctional epidermolysis bullosa with pyloric atresia; Epidermolysis bullosa, junctional 5A, intermediate. Last evaluated: 2024-05-16. Review status: criteria provided, single submitter. Criteria: ACMG Guidelines, 2015. Collection method: clinical testing. Allele origin: germline.

PreventionGenetics, part of Exact Sciences
Classification: Uncertain significance for ITGB4-related condition. Last evaluated: 2024-09-11. Review status: no assertion criteria provided. Collection method: clinical testing. Allele origin: germline. Not counted in ClinVar's aggregate classification.
Comment: The ITGB4 c.3079C>T variant is predicted to result in the amino acid substitution p.Arg1027Cys. To our knowledge, this variant has not been reported in the literature. This variant is reported in 0.0085% of alleles in individuals of African descent in gnomAD. At this time, the clinical significance of this variant is uncertain due to the absence of conclusive functional and genetic evidence.

NM_000213.5(ITGB4):c.3079C>T (p.Arg1027Cys)

Gene: ITGB4 (integrin subunit beta 4; plus strand). Cytogenetic location: 17q25.1.
Variant type: single nucleotide variant.
Coding change: c.3079C>T on transcript NM_000213.5 (MANE Select); coding-DNA position 3079, C replaced by T.
Protein change: p.Arg1027Cys; replaces arginine 1027 with cysteine.
Molecular consequence: missense variant.
Genome position (GRCh38, 1-based): chr17:75,743,829, C>T. VCF-style: chr17-75743829-C-T. GRCh37 (hg19) VCF-style: chr17-73739910-C-T.
Other names: c.3079C>T, p.Arg1027Cys (NM_001005619.2, NM_001005731.3, NM_001321123.2); short protein forms R1027C.
Identifiers: ClinVar variation 3351616 (VCV003351616.2).